The following is an entry in ClinVar:

ClinVar aggregate classification (germline): Uncertain significance (1 of 4 stars; one submission).

Conditions:
Hypertrophic cardiomyopathy. Also called: HYPERTROPHIC MYOCARDIOPATHY. Identifiers: Orphanet 217569, MedGen C0007194, MeSH D002312, MONDO:0005045, HP:0001639.

Allele frequency attached by ClinVar (database versions not stated): 1000 Genomes Project 0.00020; ExAC 0.00001; gnomAD 0.00001; gnomAD exomes below 0.00001; 1000 Genomes Project 30x 0.00016.

Submission:

Labcorp Genetics (formerly Invitae), Labcorp
Classification: Uncertain significance for Hypertrophic cardiomyopathy. Last evaluated: 2025-11-10. Review status: criteria provided, single submitter. Criteria: Invitae Variant Classification Sherloc (09022015). Collection method: clinical testing. Allele origin: germline.
Comment: This sequence change replaces glycine, which is neutral and non-polar, with arginine, which is basic and polar, at codon 682 of the MYH7 protein (p.Gly682Arg). This variant also falls at the last nucleotide of exon 18, which is part of the consensus splice site for this exon. This variant is present in population databases (rs554149826, gnomAD 0.006%). This variant has not been reported in the literature in individuals affected with MYH7-related conditions. ClinVar contains an entry for this variant (Variation ID: 1441535). An algorithm developed to predict the effect of missense changes on protein structure and function (PolyPhen-2) suggests that this variant is likely to be disruptive. Variants that disrupt the consensus splice site are a relatively common cause of aberrant splicing (PMID: 17576681, 9536098). Algorithms developed to predict the effect of sequence changes on RNA splicing suggest that this variant may disrupt the consensus splice site. This variant is found within a region of MYH7 between codons 181 and 937 that contains the majority of the myosin head domain. Missense variants in this region have been shown to be significantly overrepresented in individuals with hypertrophic cardiomyopathy (PMID: 27532257). In summary, the available evidence is currently insufficient to determine the role of this variant in disease. Therefore, it has been classified as a Variant of Uncertain Significance.

Literature cited by the submitters: PubMed 17576681; PubMed 9536098; PubMed 27532257.

NM_000257.4(MYH7):c.2044G>A (p.Gly682Arg)

Gene: MYH7 (myosin heavy chain 7; minus strand). Cytogenetic location: 14q11.2.
Variant type: single nucleotide variant.
Coding change: c.2044G>A on transcript NM_000257.4 (MANE Select); coding-DNA position 2044, G replaced by A.
Protein change: p.Gly682Arg; replaces glycine 682 with arginine.
Molecular consequence: missense variant.
Genome position (GRCh38, 1-based): chr14:23,426,777, C>T on the plus strand (G>A on the coding strand, the complement: MYH7 is on the minus strand). VCF-style: chr14-23426777-C-T. GRCh37 (hg19) VCF-style: chr14-23895986-C-T.
Other names: short protein forms G682R.
Identifiers: ClinVar variation 1441535 (VCV001441535.8), dbSNP rs554149826, ClinGen allele CA030991.
Genomic context (GRCh38, chr14:23,426,777, plus strand): 5'-GGTCCTGTTCCCAGGGCGGTGTATGCCCAGCAGTGGGTTGGCCTGAGTTTGTGGCCTCAC[C>T]TGGAGACTTTGTCTCATTAGGGATGATACAACGTACAAAGTGGGGATGGGTGGAGCGCAA-3'
Protein context (NP_000248.2, residues 672-692): CIIPNETKSP[Gly682Arg]VMDNPLVMHQ